The following is an entry in ClinVar:

ClinVar aggregate classification (germline): Benign (1 of 4 stars; one submission).

Allele frequency attached by ClinVar (database versions not stated): 1000 Genomes Project 30x 0.30075; 1000 Genomes Project 0.30511; TOPMed 0.38122; gnomAD 0.39079; ExAC 0.40379; ESP Exome Variant Server 0.40862; gnomAD exomes 0.42639.
gnomAD v4.1: 675,585 of 1,599,788 alleles (42%); highest among the groups gnomAD compares: Non-Finnish European, 45%; 146,846 homozygotes.

Submission:

Unidad de Genómica Garrahan, Hospital de Pediatría Garrahan
Classification: Benign. Last evaluated: 2024-01-24. Review status: criteria provided, single submitter. Criteria: ACMG Guidelines, 2015. Collection method: clinical testing. Allele origin: germline. Affected: no. Observed: 51 variant alleles.
Comment: This variant is classified as Benign based on local population frequency. This variant was detected in 54% of patients studied by a panel of primary immunodeficiencies. Number of patients: 51. Only high quality variants are reported.

NM_020232.5(PSMG2):c.-40A>G

Gene: PSMG2 (proteasome assembly chaperone 2; plus strand). Cytogenetic location: 18p11.21.
Variant type: single nucleotide variant.
Coding change: c.-40A>G on transcript NM_020232.5 (MANE Select); 40 bases upstream of the start codon, A replaced by G.
Molecular consequence: 5 prime UTR variant. On other transcripts: intron variant (1).
Genome position (GRCh38, 1-based): chr18:12,703,068, A>G. VCF-style: chr18-12703068-A-G. GRCh37 (hg19) VCF-style: chr18-12703067-A-G.
Other names: c.-36-3482A>G (NM_147163.2).
Identifiers: ClinVar variation 2688102 (VCV002688102.2), dbSNP rs3809916, ClinGen allele CA8898244.